The following is an entry in ClinVar:

NM_006030.4(CACNA2D2):c.502G>A (p.Ala168Thr)

Gene: CACNA2D2 (calcium voltage-gated channel auxiliary subunit alpha2delta 2; minus strand). Cytogenetic location: 3p21.31.
Variant type: single nucleotide variant.
Coding change: c.502G>A on transcript NM_006030.4 (MANE Select); coding-DNA position 502, G replaced by A.
Protein change: p.Ala168Thr; replaces alanine 168 with threonine.
Molecular consequence: missense variant.
Genome position (GRCh38, 1-based): chr3:50,387,576, C>T on the plus strand (G>A on the coding strand, the complement: CACNA2D2 is on the minus strand). VCF-style: chr3-50387576-C-T. GRCh37 (hg19) VCF-style: chr3-50425007-C-T.
Other names: c.502G>A, p.Ala168Thr (NM_001005505.3, NM_001174051.3); c.295G>A, p.Ala99Thr (NM_001291101.1); short protein forms A99T, A168T.
Identifiers: ClinVar variation 639305 (VCV000639305.4), dbSNP rs144099827, ClinGen allele CA2419167.
Genomic context (GRCh38, chr3:50,387,576, plus strand): 5'-CCAAGGCCACCAAGGCCCAGCAAGGAGGTGTGGCTCAGGAGGGGGTGCTCACCAGCTCAG[C>T]GTCAGCCTTGGCGTCATAGTACACGATGTCTTCCTCCTGGTGAGGGGAGAGAGGCCTCAG-3'
Protein context (NP_006021.2, residues 158-178): DIVYYDAKAD[Ala168Thr]ELDDPESEDV

ClinVar aggregate classification (germline): Uncertain significance (1 of 4 stars; one submission).

Conditions:
Developmental and epileptic encephalopathy. Identifiers: MedGen C5779964, MONDO:0100620.

Allele frequency attached by ClinVar (database versions not stated): 1000 Genomes Project 0.00040; gnomAD 0.00002 and 0.00003; ExAC 0.00004; gnomAD exomes 0.00004 and 0.00008; TOPMed 0.00005; 1000 Genomes Project 30x 0.00031.
gnomAD v4.1: 121 of 1,613,804 alleles (0.0075%); highest among the groups gnomAD compares: East Asian, 0.24%; no homozygotes.

Submission:

Labcorp Genetics (formerly Invitae), Labcorp
Classification: Uncertain significance for Early-infantile DEE. Last evaluated: 2022-10-18. Review status: criteria provided, single submitter. Criteria: Invitae Variant Classification Sherloc (09022015). Collection method: clinical testing. Allele origin: germline.
Comment: This sequence change replaces alanine, which is neutral and non-polar, with threonine, which is neutral and polar, at codon 168 of the CACNA2D2 protein (p.Ala168Thr). This variant is present in population databases (rs144099827, gnomAD 0.05%). This variant has not been reported in the literature in individuals affected with CACNA2D2-related conditions. ClinVar contains an entry for this variant (Variation ID: 639305). Algorithms developed to predict the effect of missense changes on protein structure and function output the following: SIFT: "Tolerated"; PolyPhen-2: "Benign"; Align-GVGD: "Class C0". The threonine amino acid residue is found in multiple mammalian species, which suggests that this missense change does not adversely affect protein function. In summary, the available evidence is currently insufficient to determine the role of this variant in disease. Therefore, it has been classified as a Variant of Uncertain Significance.